The following is an entry in ClinVar:

ClinVar aggregate classification (germline): Uncertain significance (1 of 4 stars; one submission).

Conditions:
Inborn genetic diseases. Identifiers: MedGen C0950123, MeSH D030342.

Submission:

Ambry Genetics
Classification: Uncertain significance for Inborn genetic diseases. Last evaluated: 2025-12-13. Review status: criteria provided, single submitter. Criteria: Ambry Variant Classification Scheme 2023. Collection method: clinical testing. Allele origin: germline.
Comment: The p.N37D variant (also known as c.109A>G), located in coding exon 2 of the RTEL1 gene, results from an A to G substitution at nucleotide position 109. The asparagine at codon 37 is replaced by aspartic acid, an amino acid with highly similar properties. This amino acid position is conserved. In addition, the in silico prediction for this alteration is inconclusive. Based on the available evidence, the clinical significance of this variant remains unclear.

NM_001283009.2(RTEL1):c.109A>G (p.Asn37Asp)

Genes: RTEL1 (regulator of telomere elongation helicase 1; plus strand), RTEL1-TNFRSF6B (RTEL1-TNFRSF6B readthrough (NMD candidate); plus strand). Cytogenetic location: 20q13.33.
Variant type: single nucleotide variant.
Coding change: c.109A>G on transcript NM_001283009.2 (MANE Select); coding-DNA position 109, A replaced by G.
Protein change: p.Asn37Asp; replaces asparagine 37 with aspartic acid.
Molecular consequence: missense variant. On other transcripts: non-coding transcript variant (1), 5 prime UTR variant (1).
Genome position (GRCh38, 1-based): chr20:63,661,304, A>G. VCF-style: chr20-63661304-A-G. GRCh37 (hg19) VCF-style: chr20-62292657-A-G.
Other names: c.-561A>G (NM_001283010.1); c.109A>G, p.Asn37Asp (NM_016434.4, NM_032957.5); short protein forms N37D.
Identifiers: ClinVar variation 4629656 (VCV004629656.1).